The following is an entry in ClinVar:

ClinVar aggregate classification (germline): Uncertain significance (1 of 4 stars; one submission).

gnomAD v4.1: 37 of 1,614,100 alleles (0.0023%); highest among the groups gnomAD compares: South Asian, 0.038%; no homozygotes.

Submission:

Mayo Clinic Laboratories, Mayo Clinic
Classification: Uncertain significance. Last evaluated: 2023-12-15. Review status: criteria provided, single submitter. Criteria: ACMG Guidelines, 2015. Collection method: clinical testing. Allele origin: germline. Observed: 1 variant allele.
Comment: BP4

NM_207361.6(FREM2):c.4721A>G (p.Gln1574Arg)

Gene: FREM2 (FRAS1 related extracellular matrix 2; plus strand). Cytogenetic location: 13q13.3.
Variant type: single nucleotide variant.
Coding change: c.4721A>G on transcript NM_207361.6 (MANE Select); coding-DNA position 4721, A replaced by G.
Protein change: p.Gln1574Arg; replaces glutamine 1574 with arginine.
Molecular consequence: missense variant.
Genome position (GRCh38, 1-based): chr13:38,692,065, A>G. VCF-style: chr13-38692065-A-G. GRCh37 (hg19) VCF-style: chr13-39266202-A-G.
Other names: p.Gln1574Arg; short protein forms Q1574R.
Identifiers: ClinVar variation 3380149 (VCV003380149.1).
Genomic context (GRCh38, chr13:38,692,065, plus strand): 5'-TTGAGCTCACTGTCGAAGACAGAGATACTCCTGACAAGCTCCTGAAATTCACTATCACCC[A>G]GGTGCCTATTCATGGCCATCTCCTATTCAACAATACCAGACCTGTCATGGTTTTTACCAA-3'
Protein context (NP_997244.4, residues 1564-1584): PDKLLKFTIT[Gln1574Arg]VPIHGHLLFN